The following is an entry in ClinVar:

NM_201596.3(CACNB2):c.410G>C (p.Gly137Ala)

Gene: CACNB2 (calcium voltage-gated channel auxiliary subunit beta 2; plus strand). Cytogenetic location: 10p12.31.
Variant type: single nucleotide variant.
Coding change: c.410G>C on transcript NM_201596.3 (MANE Select); coding-DNA position 410, G replaced by C.
Protein change: p.Gly137Ala; replaces glycine 137 with alanine.
Molecular consequence: missense variant.
Genome position (GRCh38, 1-based): chr10:18,498,431, G>C. VCF-style: chr10-18498431-G-C. GRCh37 (hg19) VCF-style: chr10-18787360-G-C.
Other names: c.245G>C, p.Gly82Ala (NM_000724.4, NM_001330060.2); c.326G>C, p.Gly109Ala (NM_001167945.2, NM_201571.4, NM_201572.4); c.266G>C, p.Gly89Ala (NM_201570.3); c.248G>C, p.Gly83Ala (NM_201590.3); c.410G>C, p.Gly137Ala (NM_201593.3, NM_201597.3); short protein forms G109A, G83A, G137A, G82A, G89A.
Identifiers: ClinVar variation 1425776 (VCV001425776.9), dbSNP rs754596850, ClinGen allele CA376056868.

ClinVar aggregate classification (germline): Uncertain significance. Review status: criteria provided, multiple submitters, no conflicts (2 of 4 stars). 2 submissions from 2 submitters: Uncertain significance (2). Last evaluated 2021-07-23.

Conditions:
Brugada syndrome 4 (BRGDA4). Identifiers: Orphanet 130, MedGen C2678477, MONDO:0012743, OMIM 611876.

Submissions (2):

Fulgent Genetics
Classification: Uncertain significance for Brugada syndrome 4. Last evaluated: 2021-07-23. Review status: criteria provided, single submitter. Criteria: ACMG Guidelines, 2015. Collection method: clinical testing. Allele origin: unknown.

Labcorp Genetics (formerly Invitae), Labcorp
Classification: Uncertain significance for Brugada syndrome 4. Last evaluated: 2021-02-22. Review status: criteria provided, single submitter. Criteria: Invitae Variant Classification Sherloc (09022015). Collection method: clinical testing. Allele origin: germline.
Comment: This sequence change replaces glycine with alanine at codon 83 of the CACNB2 protein (p.Gly83Ala). The glycine residue is highly conserved and there is a small physicochemical difference between glycine and alanine. Algorithms developed to predict the effect of missense changes on protein structure and function are either unavailable or do not agree on the potential impact of this missense change (SIFT: "Deleterious"; PolyPhen-2: "Probably Damaging"; Align-GVGD: "Class C0"). This variant has not been reported in the literature in individuals with CACNB2-related conditions. This variant is not present in population databases (ExAC no frequency). In summary, the available evidence is currently insufficient to determine the role of this variant in disease. Therefore, it has been classified as a Variant of Uncertain Significance.